The following is an entry in ClinVar:

NM_004329.3(BMPR1A):c.543G>A (p.Lys181=)

Gene: BMPR1A (bone morphogenetic protein receptor type 1A; plus strand). Cytogenetic location: 10q23.2.
Variant type: single nucleotide variant.
Coding change: c.543G>A on transcript NM_004329.3 (MANE Select); coding-DNA position 543, G replaced by A.
Protein change: p.Lys181=; no amino-acid change (lysine 181 retained).
Molecular consequence: synonymous variant.
Genome position (GRCh38, 1-based): chr10:86,912,252, G>A. VCF-style: chr10-86912252-G-A. GRCh37 (hg19) VCF-style: chr10-88672009-G-A.
Identifiers: ClinVar variation 1081361 (VCV001081361.10), dbSNP rs2133543775, ClinGen allele CA470307587.
Genomic context (GRCh38, chr10:86,912,252, plus strand): 5'-TTATAGTTTTTCATTTTTAATGTAGATTGTTTTCTGCTTTTTTAAAAGACATTATTGCAA[G>A]AGCATCTCAAGCAGACGTCGTTACAATCGTGATTTGGAACAGGATGAAGCATTTATTCCA-3'
Protein context (NP_004320.2, residues 171-191): SSCFCYKHYC[Lys181=]SISSRRRYNR

ClinVar aggregate classification (germline): Benign/Likely benign. Review status: criteria provided, multiple submitters, no conflicts (2 of 4 stars). 2 submissions from 2 submitters: Benign (1); Likely benign (1). Last evaluated 2025-08-25.

Conditions:
Juvenile polyposis syndrome (JPS). Identifiers: Orphanet 2929, MedGen C0345893, MONDO:0017380, OMIM 174900.

Submissions (2):

Labcorp Genetics (formerly Invitae), Labcorp
Classification: Likely benign for Juvenile polyposis syndrome. Last evaluated: 2025-08-25. Review status: criteria provided, single submitter. Criteria: Invitae Variant Classification Sherloc (09022015). Collection method: clinical testing. Allele origin: germline.

Myriad Genetics, Inc.
Classification: Benign for Juvenile polyposis syndrome. Last evaluated: 2024-08-01. Review status: criteria provided, single submitter. Criteria: Myriad Autosomal Dominant, Autosomal Recessive and X-Linked Classification Criteria (2023). Collection method: clinical testing. Allele origin: unknown.
Comment: This variant is considered benign. This variant is a silent/synonymous amino acid change and it is not expected to impact splicing.